The following is an entry in ClinVar:

ClinVar aggregate classification (germline): Likely pathogenic. Review status: criteria provided, multiple submitters, no conflicts (2 of 4 stars). 2 submissions from 2 submitters: Likely pathogenic (2). Last evaluated 2025-01-09.

Conditions:
Autosomal recessive nonsyndromic hearing loss 77. Identifiers: Orphanet 90636, MedGen C2746083, MONDO:0013119, OMIM 613079.

Submissions (2):

Institute of Rare Diseases, West China Hospital, Sichuan University
Classification: Likely pathogenic for Autosomal recessive nonsyndromic hearing loss 77. Last evaluated: 2025-01-09. Review status: criteria provided, single submitter. Criteria: ClinGen HL ACMG Specifications v1. Collection method: research. Allele origin: germline. Affected: yes.
Comment: PVS1;PM2_Supporting

Natera, Inc.
Classification: Likely pathogenic for Autosomal recessive deafness type 77. Last evaluated: 2024-05-10. Review status: criteria provided, single submitter. Criteria: Natera Variant Classification Schema (03/2026). Collection method: clinical testing. Allele origin: germline.
Comment: The c.130+1G>A variant in LOXHD1 is a canonical splice donor site variant predicted to affect pre-mRNA splicing, which may result in an abnormal transcript and altered protein product. This variant is expected to result in nonsense mediated decay, truncation, or a dysfunctional protein product. This variant is rare in the general population with a frequency below the threshold expected for the associated phenotype(s). Given the available evidence, this variant is classified as Likely Pathogenic.

NM_001384474.1(LOXHD1):c.130+1G>A

Gene: LOXHD1 (lipoxygenase homology PLAT domains 1; minus strand). Cytogenetic location: 18q21.1.
Variant type: single nucleotide variant.
Coding change: c.130+1G>A on transcript NM_001384474.1 (MANE Select); the canonical splice donor site of the intron after coding-DNA position 130, G replaced by A.
Molecular consequence: splice donor variant.
Genome position (GRCh38, 1-based): chr18:46,656,903, C>T on the plus strand (G>A on the coding strand, the complement: LOXHD1 is on the minus strand). VCF-style: chr18-46656903-C-T. GRCh37 (hg19) VCF-style: chr18-44236866-C-T.
Other names: c.130+1G>A (NM_144612.7, NM_144612.6).
Identifiers: ClinVar variation 3601199 (VCV003601199.2).
Genomic context (GRCh38, chr18:46,656,903, plus strand): 5'-CAGACCCCTGCCCACCGCAGCCAGCTGCACCACCCGCCCCCCGCAGGCTGGGACCCCGCA[C>T]CTCTGGCCTTGTAGTACTCGTGTTCCAGCTCCCCCTCGTCGTCCTCCGAGGCGTAGTTCA-3'